The following is an entry in ClinVar:

ClinVar aggregate classification (germline): Uncertain significance (1 of 4 stars; one submission).

Allele frequency attached by ClinVar (database versions not stated): gnomAD exomes below 0.00001; ExAC 0.00001.
gnomAD v4.1: 6 of 1,605,246 alleles (0.00037%); highest among the groups gnomAD compares: Admixed American, 0.0017%; no homozygotes.

Submission:

Labcorp Genetics (formerly Invitae), Labcorp
Classification: Uncertain significance. Last evaluated: 2022-06-10. Review status: criteria provided, single submitter. Criteria: Invitae Variant Classification Sherloc (09022015). Collection method: clinical testing. Allele origin: germline.
Comment: In summary, the available evidence is currently insufficient to determine the role of this variant in disease. Therefore, it has been classified as a Variant of Uncertain Significance. Advanced modeling of protein sequence and biophysical properties (such as structural, functional, and spatial information, amino acid conservation, physicochemical variation, residue mobility, and thermodynamic stability) performed at Invitae indicates that this missense variant is not expected to disrupt LRP2 protein function. This variant has not been reported in the literature in individuals affected with LRP2-related conditions. This variant is present in population databases (rs763167446, gnomAD 0.0009%). This sequence change replaces asparagine, which is neutral and polar, with serine, which is neutral and polar, at codon 4551 of the LRP2 protein (p.Asn4551Ser).

NM_004525.3(LRP2):c.13652A>G (p.Asn4551Ser)

Gene: LRP2 (LDL receptor related protein 2; minus strand). Cytogenetic location: 2q31.1.
Variant type: single nucleotide variant.
Coding change: c.13652A>G on transcript NM_004525.3 (MANE Select); coding-DNA position 13652, A replaced by G.
Protein change: p.Asn4551Ser; replaces asparagine 4551 with serine.
Molecular consequence: missense variant.
Genome position (GRCh38, 1-based): chr2:169,132,650, T>C on the plus strand (A>G on the coding strand, the complement: LRP2 is on the minus strand). VCF-style: chr2-169132650-T-C. GRCh37 (hg19) VCF-style: chr2-169989160-T-C.
Other names: short protein forms N4551S.
Identifiers: ClinVar variation 1354683 (VCV001354683.8), dbSNP rs763167446, ClinGen allele CA1952468.